The following is an entry in ClinVar:

NM_000080.4(CHRNE):c.1457C>T (p.Pro486Leu)

Gene: CHRNE (cholinergic receptor nicotinic epsilon subunit; minus strand). Cytogenetic location: 17p13.2.
Variant type: single nucleotide variant.
Coding change: c.1457C>T on transcript NM_000080.4 (MANE Select); coding-DNA position 1457, C replaced by T.
Protein change: p.Pro486Leu; replaces proline 486 with leucine.
Molecular consequence: missense variant.
Genome position (GRCh38, 1-based): chr17:4,898,761, G>A on the plus strand (C>T on the coding strand, the complement: CHRNE is on the minus strand). VCF-style: chr17-4898761-G-A. GRCh37 (hg19) VCF-style: chr17-4802056-G-A.
Other names: short protein forms P486L.
Identifiers: ClinVar variation 918072 (VCV000918072.3), dbSNP rs1969817843, ClinGen allele CA397297254.

ClinVar aggregate classification (germline): Likely pathogenic (1 of 4 stars; one submission).

Conditions:
Congenital myasthenic syndrome 4A. Also called: MYASTHENIC SYNDROME, CONGENITAL, 4A, SLOW-CHANNEL, AUTOSOMAL RECESSIVE; CONGENITAL MYASTHENIC SYNDROME TYPE Ia1; Myasthenic syndrome, congenital, 4a, slow-channel. Identifiers: Orphanet 590, MedGen C4225413, MONDO:0011600, OMIM 605809.

Allele frequency attached by ClinVar (database versions not stated): gnomAD exomes below 0.00001.

Submission:

Institute for Genomic Statistics and Bioinformatics, University Hospital Bonn
Classification: Likely pathogenic for Congenital myasthenic syndrome 4A. Review status: criteria provided, single submitter. Criteria: ACMG Guidelines, 2015. Collection method: clinical testing. Allele origin: de novo. Inheritance: Autosomal dominant inheritance. Affected: yes. Observed: 1 heterozygote.
Comment: The name of the variant is NM_000080.3:c.1457C> T;p.(Pro486Leu) . The variant is currently not listed in any phanotype-related or population-related databases. The mutation prediction programs MutationTaster, SIFT and Polyphen estimate the variant as pathogenic. The CADD score is 25.6. in silico analysis using the Alamut software does not provide any clear indication of a change in splicing behaviour with various prediction programs. The ACMG classification of the variant is: probably pathogenic (class 4: PS2, PM2, PP3).